The following is an entry in ClinVar:

ClinVar aggregate classification (germline): Uncertain significance. Review status: criteria provided, multiple submitters, no conflicts (2 of 4 stars). 2 submissions from 2 submitters: Uncertain significance (2). Last evaluated 2024-01-02.

Conditions:
Neuronal ceroid lipofuscinosis. Also called: Neuronal Ceroid Lipofuscinoses. Identifiers: Orphanet 216, Orphanet 79263, MedGen C0027877, MONDO:0016295. Disease mechanism: loss of function.

Allele frequency attached by ClinVar (database versions not stated): gnomAD 0.00001; gnomAD exomes 0.00001 and 0.00002; TOPMed 0.00001; ExAC 0.00003.
gnomAD v4.1: 12 of 1,612,846 alleles (0.00074%); highest among the groups gnomAD compares: South Asian, 0.0033%; no homozygotes.

Submissions (2):

Labcorp Genetics (formerly Invitae), Labcorp
Classification: Uncertain significance for Neuronal ceroid lipofuscinosis. Last evaluated: 2024-01-02. Review status: criteria provided, single submitter. Criteria: Invitae Variant Classification Sherloc (09022015). Collection method: clinical testing. Allele origin: germline.
Comment: This sequence change replaces arginine, which is basic and polar, with cysteine, which is neutral and slightly polar, at codon 411 of the CTSD protein (p.Arg411Cys). This variant is present in population databases (rs766987476, gnomAD 0.005%). This variant has not been reported in the literature in individuals affected with CTSD-related conditions. ClinVar contains an entry for this variant (Variation ID: 1018084). An algorithm developed to predict the effect of missense changes on protein structure and function (PolyPhen-2) suggests that this variant is likely to be disruptive. In summary, the available evidence is currently insufficient to determine the role of this variant in disease. Therefore, it has been classified as a Variant of Uncertain Significance.

GeneDx
Classification: Uncertain significance. Last evaluated: 2019-07-30. Review status: criteria provided, single submitter. Criteria: GeneDx Variant Classification Process June 2021. Collection method: clinical testing. Allele origin: germline. Affected: yes.
Comment: Not observed at a significant frequency in large population cohorts (Lek et al., 2016); In silico analysis, which includes protein predictors and evolutionary conservation, supports that this variant does not alter protein structure/function; Has not been previously published as pathogenic or benign to our knowledge

NM_001909.5(CTSD):c.1231C>T (p.Arg411Cys)

Gene: CTSD (cathepsin D; minus strand). Cytogenetic location: 11p15.5.
Variant type: single nucleotide variant.
Coding change: c.1231C>T on transcript NM_001909.5 (MANE Select); coding-DNA position 1231, C replaced by T.
Protein change: p.Arg411Cys; replaces arginine 411 with cysteine.
Molecular consequence: missense variant.
Genome position (GRCh38, 1-based): chr11:1,753,511, G>A on the plus strand (C>T on the coding strand, the complement: CTSD is on the minus strand). VCF-style: chr11-1753511-G-A. GRCh37 (hg19) VCF-style: chr11-1774741-G-A.
Other names: short protein forms R411C.
Identifiers: ClinVar variation 1018084 (VCV001018084.6), dbSNP rs766987476, ClinGen allele CA5813865.